The following is an entry in ClinVar:

NM_001844.5(COL2A1):c.85+5G>A

Gene: COL2A1 (collagen type II alpha 1 chain; minus strand). Cytogenetic location: 12q13.11.
Variant type: single nucleotide variant.
Coding change: c.85+5G>A on transcript NM_001844.5 (MANE Select); 5 bases into the intron after coding-DNA position 85, G replaced by A.
Molecular consequence: intron variant.
Genome position (GRCh38, 1-based): chr12:48,004,232, C>T on the plus strand (G>A on the coding strand, the complement: COL2A1 is on the minus strand). VCF-style: chr12-48004232-C-T. GRCh37 (hg19) VCF-style: chr12-48398015-C-T.
Other names: c.85+5G>A (NM_033150.3).
Identifiers: ClinVar variation 1500949 (VCV001500949.6), dbSNP rs2136652545, ClinGen allele CA2573148580.

ClinVar aggregate classification (germline): Uncertain significance (1 of 4 stars; one submission).

Submission:

Labcorp Genetics (formerly Invitae), Labcorp
Classification: Uncertain significance. Last evaluated: 2022-05-24. Review status: criteria provided, single submitter. Criteria: Invitae Variant Classification Sherloc (09022015). Collection method: clinical testing. Allele origin: germline.
Comment: This variant has been observed in individual(s) with clinical features of Stickler syndrome (Invitae). This variant is not present in population databases (gnomAD no frequency). This sequence change falls in intron 1 of the COL2A1 gene. It does not directly change the encoded amino acid sequence of the COL2A1 protein. It affects a nucleotide within the consensus splice site. Variants that disrupt the consensus splice site are a relatively common cause of aberrant splicing (PMID: 17576681, 9536098). Algorithms developed to predict the effect of sequence changes on RNA splicing suggest that this variant may disrupt the consensus splice site. In summary, the available evidence is currently insufficient to determine the role of this variant in disease. Therefore, it has been classified as a Variant of Uncertain Significance.

Literature cited by the submitters: PubMed 17576681; PubMed 9536098.